The following is an entry in ClinVar:

ClinVar aggregate classification (germline): Uncertain significance (1 of 4 stars; one submission).

Conditions:
Inborn genetic diseases. Identifiers: MedGen C0950123, MeSH D030342.

Allele frequency attached by ClinVar (database versions not stated): gnomAD exomes below 0.00001.

Submission:

Ambry Genetics
Classification: Uncertain significance for Inborn genetic diseases. Last evaluated: 2023-06-25. Review status: criteria provided, single submitter. Criteria: Ambry Variant Classification Scheme 2023. Collection method: clinical testing. Allele origin: germline.
Comment: The p.P2208S variant (also known as c.6622C>T), located in coding exon 45 of the LRRK2 gene, results from a C to T substitution at nucleotide position 6622. The proline at codon 2208 is replaced by serine, an amino acid with similar properties. This amino acid position is conserved. In addition, this alteration is predicted to be tolerated by in silico analysis. Since supporting evidence is limited at this time, the clinical significance of this alteration remains unclear.

NM_198578.4(LRRK2):c.6622C>T (p.Pro2208Ser)

Gene: LRRK2 (leucine rich repeat kinase 2; plus strand). Cytogenetic location: 12q12.
Variant type: single nucleotide variant.
Coding change: c.6622C>T on transcript NM_198578.4 (MANE Select); coding-DNA position 6622, C replaced by T.
Protein change: p.Pro2208Ser; replaces proline 2208 with serine.
Molecular consequence: missense variant.
Genome position (GRCh38, 1-based): chr12:40,354,344, C>T. VCF-style: chr12-40354344-C-T. GRCh37 (hg19) VCF-style: chr12-40748146-C-T.
Other names: short protein forms P2208S.
Identifiers: ClinVar variation 2608798 (VCV002608798.2), dbSNP rs2499993363, ClinGen allele CA384408900.